The following is an entry in ClinVar:

NM_006019.4(TCIRG1):c.260C>T (p.Pro87Leu)

Gene: TCIRG1 (T cell immune regulator 1, ATPase H+ transporting V0 subunit a3; plus strand). Cytogenetic location: 11q13.2.
Variant type: single nucleotide variant.
Coding change: c.260C>T on transcript NM_006019.4 (MANE Select); coding-DNA position 260, C replaced by T.
Protein change: p.Pro87Leu; replaces proline 87 with leucine.
Molecular consequence: missense variant. On other transcripts: 5 prime UTR variant (1).
Genome position (GRCh38, 1-based): chr11:68,042,706, C>T. VCF-style: chr11-68042706-C-T. GRCh37 (hg19) VCF-style: chr11-67810173-C-T.
Other names: c.-990C>T (NM_001351059.2); c.260C>T (NM_006019.3); short protein forms P87L.
Identifiers: ClinVar variation 990513 (VCV000990513.7), dbSNP rs982462013, ClinGen allele CA224202896.

ClinVar aggregate classification (germline): Uncertain significance. Review status: criteria provided, multiple submitters, no conflicts (2 of 4 stars). 4 submissions from 4 submitters: Uncertain significance (3). 1 of the submissions does not count toward it. Last evaluated 2026-01-26.

Conditions:
Inborn genetic diseases. Identifiers: MedGen C0950123, MeSH D030342.
Autosomal recessive osteopetrosis 1. Also called: ALBERS-SCHONBERG DISEASE, AUTOSOMAL RECESSIVE; TCIRG1-Related Autosomal Recessive Osteopetrosis; TCIRG1-Related Osteopetrosis. Identifiers: Orphanet 667, MedGen C1850127, MONDO:0009815, OMIM 259700.

Allele frequency attached by ClinVar (database versions not stated): gnomAD 0.00001 and 0.00002; gnomAD exomes 0.00002 and 0.00005; TOPMed 0.00003.
gnomAD v4.1: 78 of 1,545,864 alleles (0.005%); highest among the groups gnomAD compares: South Asian, 0.013%; no homozygotes.

Submissions (4):

Labcorp Genetics (formerly Invitae), Labcorp
Classification: Uncertain significance. Last evaluated: 2026-01-26. Review status: criteria provided, single submitter. Criteria: Invitae Variant Classification Sherloc (09022015). Collection method: clinical testing. Allele origin: germline.
Comment: This sequence change replaces proline, which is neutral and non-polar, with leucine, which is neutral and non-polar, at codon 87 of the TCIRG1 protein (p.Pro87Leu). The frequency data for this variant in the population databases is considered unreliable, as metrics indicate poor data quality at this position in the gnomAD database. This variant has not been reported in the literature in individuals affected with TCIRG1-related conditions. ClinVar contains an entry for this variant (Variation ID: 990513). Invitae Evidence Modeling of protein sequence and biophysical properties (such as structural, functional, and spatial information, amino acid conservation, physicochemical variation, residue mobility, and thermodynamic stability) indicates that this missense variant is not expected to disrupt TCIRG1 protein function with a negative predictive value of 80%. In summary, the available evidence is currently insufficient to determine the role of this variant in disease. Therefore, it has been classified as a Variant of Uncertain Significance.

Ambry Genetics
Classification: Uncertain significance for Inborn genetic diseases. Last evaluated: 2025-04-30. Review status: criteria provided, single submitter. Criteria: Ambry Variant Classification Scheme 2023. Collection method: clinical testing. Allele origin: germline.

Fulgent Genetics
Classification: Uncertain significance for Autosomal recessive osteopetrosis 1. Last evaluated: 2021-07-26. Review status: criteria provided, single submitter. Criteria: ACMG Guidelines, 2015. Collection method: clinical testing. Allele origin: unknown.

Natera, Inc.
Classification: Uncertain significance for Infantile malignant osteopetrosis. Last evaluated: 2020-04-15. Review status: no assertion criteria provided. Collection method: clinical testing. Allele origin: germline. Not counted in ClinVar's aggregate classification.